The following is an entry in ClinVar:

NM_000384.3(APOB):c.8962A>C (p.Ile2988Leu)

Gene: APOB (apolipoprotein B; minus strand). Cytogenetic location: 2p24.1.
Variant type: single nucleotide variant.
Coding change: c.8962A>C on transcript NM_000384.3 (MANE Select); coding-DNA position 8962, A replaced by C.
Protein change: p.Ile2988Leu; replaces isoleucine 2988 with leucine.
Molecular consequence: missense variant.
Genome position (GRCh38, 1-based): chr2:21,007,906, T>G on the plus strand (A>C on the coding strand, the complement: APOB is on the minus strand). VCF-style: chr2-21007906-T-G. GRCh37 (hg19) VCF-style: chr2-21230778-T-G.
Other names: short protein forms I2988L.
Identifiers: ClinVar variation 5027638 (VCV005027638.1).

ClinVar aggregate classification (germline): Uncertain significance (1 of 4 stars; one submission).

Conditions:
Cardiovascular phenotype. Identifiers: MedGen CN230736.

gnomAD v4.1: 1 of 1,614,116 alleles (0.000062%); highest among the groups gnomAD compares: Non-Finnish European, 0.000085%; no homozygotes.

Submission:

Ambry Genetics
Classification: Uncertain significance for Cardiovascular phenotype. Last evaluated: 2026-07-07. Review status: criteria provided, single submitter. Criteria: Ambry Variant Classification Scheme 2023. Collection method: clinical testing. Allele origin: germline.
Comment: The p.I2988L variant (also known as c.8962A>C), located in coding exon 26 of the APOB gene, results from an A to C substitution at nucleotide position 8962. The isoleucine at codon 2988 is replaced by leucine, an amino acid with highly similar properties. This amino acid position is conserved. In addition, this alteration is predicted to be tolerated by in silico analysis. Based on the available evidence, the clinical significance of this variant remains unclear.